The following is an entry in ClinVar:

NM_006642.5(SDCCAG8):c.1273G>T (p.Val425Phe)

Gene: SDCCAG8 (SHH signaling and ciliogenesis regulator SDCCAG8; plus strand). Cytogenetic location: 1q43.
Variant type: single nucleotide variant.
Coding change: c.1273G>T on transcript NM_006642.5 (MANE Select); coding-DNA position 1273, G replaced by T.
Protein change: p.Val425Phe; replaces valine 425 with phenylalanine.
Molecular consequence: missense variant.
Genome position (GRCh38, 1-based): chr1:243,341,090, G>T. VCF-style: chr1-243341090-G-T. GRCh37 (hg19) VCF-style: chr1-243504392-G-T.
Other names: c.370G>T, p.Val124Phe (NM_001350246.2, NM_001350247.2, NM_001350251.2); c.1369G>T, p.Val457Phe (NM_001350248.2); c.979G>T, p.Val327Phe (NM_001350249.2); c.1273G>T (NM_006642.3); short protein forms V457F, V124F, V425F, V327F.
Identifiers: ClinVar variation 1405473 (VCV001405473.7), dbSNP rs370072966, ClinGen allele CA1483605.

ClinVar aggregate classification (germline): Uncertain significance. Review status: criteria provided, multiple submitters, no conflicts (2 of 4 stars). 4 submissions from 4 submitters: Uncertain significance (4). Last evaluated 2026-02-12.

Conditions:
SDCCAG8-related disorder. Also called: SDCCAG8-Related Disorders; SDCCAG8-related condition.
Inborn genetic diseases. Identifiers: MedGen C0950123, MeSH D030342.
Bardet-Biedl syndrome 16 (BBS16). Identifiers: Orphanet 110, MedGen C3889474, MONDO:0014444, OMIM 615993.
Senior-Loken syndrome 7 (SLSN7). Identifiers: Orphanet 3156, MedGen C3150877, MONDO:0013326, OMIM 613615.

gnomAD v4.1: 18 of 1,613,918 alleles (0.0011%); highest among the groups gnomAD compares: Admixed American, 0.022%; no homozygotes.

Submissions (4):

PreventionGenetics, part of Exact Sciences
Classification: Uncertain significance for SDCCAG8-related condition. Last evaluated: 2026-02-12. Review status: criteria provided, single submitter. Criteria: ACMG Guidelines, 2015. Collection method: clinical testing. Allele origin: germline.
Comment: The SDCCAG8 c.1273G>T variant is predicted to result in the amino acid substitution p.Val425Phe. To our knowledge, this variant has not been reported in the literature. This variant is reported in 0.034% of alleles in individuals of Latino descent in gnomAD. At this time, the clinical significance of this variant is uncertain due to the absence of conclusive functional and genetic evidence.

Ambry Genetics
Classification: Uncertain significance for Inborn genetic diseases. Last evaluated: 2025-06-11. Review status: criteria provided, single submitter. Criteria: Ambry Variant Classification Scheme 2023. Collection method: clinical testing. Allele origin: germline.

GeneDx
Classification: Uncertain significance. Last evaluated: 2022-07-20. Review status: criteria provided, single submitter. Criteria: GeneDx Variant Classification Process June 2021. Collection method: clinical testing. Allele origin: germline. Affected: yes.
Comment: In silico analysis supports that this missense variant has a deleterious effect on protein structure/function; Has not been previously published as pathogenic or benign to our knowledge

Labcorp Genetics (formerly Invitae), Labcorp
Classification: Uncertain significance for Bardet-Biedl syndrome 16; Senior-Loken syndrome 7. Last evaluated: 2022-07-12. Review status: criteria provided, single submitter. Criteria: Invitae Variant Classification Sherloc (09022015). Collection method: clinical testing. Allele origin: germline.
Comment: This sequence change replaces valine, which is neutral and non-polar, with phenylalanine, which is neutral and non-polar, at codon 425 of the SDCCAG8 protein (p.Val425Phe). This variant is present in population databases (rs370072966, gnomAD 0.03%). This variant has not been reported in the literature in individuals affected with SDCCAG8-related conditions. ClinVar contains an entry for this variant (Variation ID: 1405473). Algorithms developed to predict the effect of missense changes on protein structure and function are either unavailable or do not agree on the potential impact of this missense change (SIFT: "Deleterious"; PolyPhen-2: "Benign"; Align-GVGD: "Class C0"). In summary, the available evidence is currently insufficient to determine the role of this variant in disease. Therefore, it has been classified as a Variant of Uncertain Significance.